The following is an entry in ClinVar:

ClinVar aggregate classification (germline): Conflicting classifications of pathogenicity. Review status: criteria provided, conflicting classifications (1 of 4 stars). 2 submissions from 2 submitters: Uncertain significance (1); Likely benign (1). Last evaluated 2023-08-01.

Conditions:
Hereditary spastic paraplegia. Also called: Familial spastic paraparesis. Identifiers: Orphanet 685, MedGen C0037773, MONDO:0019064. Disease mechanism: loss of function.

Submissions (2):

CeGaT Center for Human Genetics Tuebingen
Classification: Likely benign. Last evaluated: 2023-08-01. Review status: criteria provided, single submitter. Criteria: CeGaT Center For Human Genetics Tuebingen Variant Classification Criteria Version 2. Collection method: clinical testing. Allele origin: germline. Affected: yes. Observed: 1 variant allele.
Comment: TECPR2: PM2:Supporting, BP4, BP7

Genome Diagnostics Laboratory, The Hospital for Sick Children
Classification: Uncertain significance for Hereditary spastic paraplegia. Last evaluated: 2018-07-01. Review status: criteria provided, single submitter. Criteria: ACMG Guidelines, 2015. Collection method: clinical testing. Allele origin: germline. Affected: yes.

NM_014844.5(TECPR2):c.708A>G (p.Ser236=)

Gene: TECPR2 (tectonin beta-propeller repeat containing 2; plus strand). Cytogenetic location: 14q32.31.
Variant type: single nucleotide variant.
Coding change: c.708A>G on transcript NM_014844.5 (MANE Select); coding-DNA position 708, A replaced by G.
Protein change: p.Ser236=; no amino-acid change (serine 236 retained).
Molecular consequence: synonymous variant.
Genome position (GRCh38, 1-based): chr14:102,425,048, A>G. VCF-style: chr14-102425048-A-G. GRCh37 (hg19) VCF-style: chr14-102891385-A-G.
Other names: c.708A>G, p.Ser236= (NM_001172631.3).
Identifiers: ClinVar variation 1344162 (VCV001344162.27), dbSNP rs2139716000, ClinGen allele CA488190411.